The following is an entry in ClinVar:

ClinVar aggregate classification (germline): Uncertain significance (1 of 4 stars; one submission).

gnomAD v4.1: 11 of 1,612,270 alleles (0.00068%); highest among the groups gnomAD compares: Non-Finnish European, 0.00068%; no homozygotes.

Submission:

GeneDx
Classification: Uncertain significance. Last evaluated: 2024-09-19. Review status: criteria provided, single submitter. Criteria: GeneDx Variant Classification Process June 2021. Collection method: clinical testing. Allele origin: germline. Affected: yes.
Comment: Not observed at significant frequency in large population cohorts (gnomAD); In silico analysis supports that this missense variant has a deleterious effect on protein structure/function; Has not been previously published as pathogenic or benign to our knowledge

NM_002224.4(ITPR3):c.772A>G (p.Lys258Glu)

Gene: ITPR3 (inositol 1,4,5-trisphosphate receptor type 3; plus strand). Cytogenetic location: 6p21.31.
Variant type: single nucleotide variant.
Coding change: c.772A>G on transcript NM_002224.4 (MANE Select); coding-DNA position 772, A replaced by G.
Protein change: p.Lys258Glu; replaces lysine 258 with glutamic acid.
Molecular consequence: missense variant.
Genome position (GRCh38, 1-based): chr6:33,662,588, A>G. VCF-style: chr6-33662588-A-G. GRCh37 (hg19) VCF-style: chr6-33630365-A-G.
Other names: short protein forms K258E.
Identifiers: ClinVar variation 3774216 (VCV003774216.1).